The following is an entry in ClinVar:

NM_014334.4(FRRS1L):c.584_586del (p.Gly195del)

Gene: FRRS1L (ferric chelate reductase 1 like; minus strand). Cytogenetic location: 9q31.3.
Variant type: Deletion.
Coding change: c.584_586del on transcript NM_014334.4 (MANE Select); coding-DNA positions 584 to 586, 3 bases deleted (GAG; older notation c.584_586delGAG).
Protein change: p.Gly195del; deletes glycine 195.
Molecular consequence: inframe deletion.
Genome position (GRCh38, 1-based): chr9:109,141,466-109,141,468, CTC deleted on the plus strand (GAG on the coding strand, the reverse complement: FRRS1L is on the minus strand); deleting any 3 consecutive bases within chr9:109,141,466-109,141,470 gives the same sequence; the c. name uses the placement nearest the transcript's 3' end. VCF-style (leftmost placement, unchanged base first): chr9-109141465-ACTC-A. GRCh37 (hg19) VCF-style: chr9-111903745-ACTC-A.
Other names: c.584_586delGAG (NM_014334.4); c.737_739delGAG (NM_014334.3); short protein forms G195del.
Identifiers: ClinVar variation 218153 (VCV000218153.25), dbSNP rs878853282, ClinGen allele CA10575814.
Genomic context (GRCh38, chr9:109,141,465, plus strand): 5'-TCATCTCTGGGAACATTCACAGGGCGTTTAAATCTGCAGGTGACGCGATTGTTCTCAAAA[ACTC>A]CTTCTTCATCTCTGGCAGGGTTTCTCTGAATCTCCTTTGCCCACTGGCCTACATTATAGA-3'

ClinVar aggregate classification (germline): Pathogenic/Likely pathogenic. Review status: criteria provided, multiple submitters, no conflicts (2 of 4 stars). 11 submissions from 11 submitters: Pathogenic (7); Likely pathogenic (2). 2 of the submissions do not count toward it. Last evaluated 2026-06-22.

Conditions:
Inborn genetic diseases. Identifiers: MedGen C0950123, MeSH D030342.
FRRS1L-related disorder. Also called: FRRS1L-related condition.
Developmental and epileptic encephalopathy, 37 (DEE37). Also called: Epileptic encephalopathy, early infantile, 37. Identifiers: MedGen C4310770, MONDO:0014859, OMIM 616981.
Seizure. Also called: Seizures. Identifiers: MedGen C0036572, HP:0001250.
Chorea. Also called: Choreatic disease; Choreiform movements. Identifiers: Orphanet 1429, MedGen C0008489, MONDO:0001595, HP:0002072.
Progressive encephalopathy. Identifiers: MedGen C1838578, HP:0002448.

Submissions (11):

Ambry Genetics
Classification: Pathogenic for Inborn genetic diseases. Last evaluated: 2026-06-22. Review status: criteria provided, single submitter. Criteria: Ambry Variant Classification Scheme 2023. Collection method: clinical testing. Allele origin: germline.
Comment: The c.737_739delGAG (p.G246del) alteration is located in coding exon 4 of the FRRS1L gene. This alteration consists of an in-frame deletion of 3 nucleotides between nucleotide positions 737 and 739, resulting in the deletion of a glycine at amino acid position 246. Based on data from gnomAD, this allele has an overall frequency of 0.002% (5/251484) total alleles studied. The highest observed frequency was 0.016% (1/6138) of Other alleles. This variant has been identified in the homozygous state and/or in conjunction with other FRRS1L variant(s) in individual(s) with features consistent with FRRS1L-related developmental and epileptic encephalopathy; in at least one instance, the variants were identified in trans (Madeo, 2016; Abdelmoumen, 2020; Ambry internal data). This amino acid position is highly conserved in available vertebrate species. This variant is predicted to be deleterious/neutral by in silico analysis (Choi, 2012). Based on the available evidence, this alteration is classified as pathogenic.

Labcorp Genetics (formerly Invitae), Labcorp
Classification: Pathogenic for Developmental and epileptic encephalopathy, 37. Last evaluated: 2026-01-17. Review status: criteria provided, single submitter. Criteria: Invitae Variant Classification Sherloc (09022015). Collection method: clinical testing. Allele origin: germline.
Comment: This variant, c.737_739del, results in the deletion of 1 amino acid(s) of the FRRS1L protein (p.Gly246del), but otherwise preserves the integrity of the reading frame. This variant is present in population databases (no rsID available, gnomAD 0.01%). This variant has been observed in individuals with clinical features of developmental and epileptic encephalopathy (PMID: 27236917, 32928027; internal data). It has also been observed to segregate with disease in related individuals. ClinVar contains an entry for this variant (Variation ID: 218153). For these reasons, this variant has been classified as Pathogenic.

PreventionGenetics, part of Exact Sciences
Classification: Likely pathogenic for FRRS1L-related condition. Last evaluated: 2025-12-26. Review status: criteria provided, single submitter. Criteria: ACMG Guidelines, 2015. Collection method: clinical testing. Allele origin: germline.
Comment: The FRRS1L c.737_739delGAG variant is predicted to result in an in-frame deletion (p.Gly246del). This variant has been reported in the homozygous state in several individuals with epileptic-dyskinetic encephalopathy (Madeo et al. 2016. PubMed ID: 27236917; Abdelmoumen et al. 2020. PubMed ID: 32928027). This variant is reported in 0.0099% of alleles in individuals of Ashkenazi Jewish descent in gnomAD. This variant is interpreted as likely pathogenic.

Variantyx, Inc.
Classification: Pathogenic for Developmental and epileptic encephalopathy, 37. Last evaluated: 2025-08-22. Review status: criteria provided, single submitter. Criteria: Variantyx Assertion Criteria 2022. Collection method: clinical testing. Allele origin: germline. Inheritance: Autosomal recessive inheritance. Affected: no.
Comment: This is an in frame deletion variant in the FRRS1L gene (OMIM: 604574). Pathogenic variants in this gene have been associated with autosomal recessive developmental and epileptic encephalopathy 37. This variant causes an in-frame deletion of a single amino acid at position 195 of the FRRS1L protein (PM4_Supporting). This variant has been identified in the homozygous state in at least 15 individuals reported in the published literature (PMID: 32928027, 27236917 (PM3) and has a 0.0784% maximum allele frequency in non-founder control populations (PM2). Based on the current evidence, this variant is classified as pathogenic for autosomal recessive developmental and epileptic encephalopathy 37.

Women's Health and Genetics/Laboratory Corporation of America, LabCorp
Classification: Pathogenic for Developmental and epileptic encephalopathy, 37. Last evaluated: 2024-02-20. Review status: criteria provided, single submitter. Criteria: LabCorp Variant Classification Summary - May 2015. Collection method: clinical testing. Allele origin: germline.
Comment: Variant summary: FRRS1L c.584_586delGAG (p.Gly195del), also known as c.737_739delGAG (p.Gly246del), results in an in-frame deletion that is predicted to remove 1 amino acid from the DOMON domain (IPR005018) of the encoded protein. The variant allele was found at a frequency of 2e-05 in 251484 control chromosomes (gnomAD). c.584_586delGAG has been reported in the literature in multiple individuals affected with Developmental And Epileptic Encephalopathy, 37 (e.g. Madeo_2016, Abdelmoumen_2021). These data indicate that the variant is very likely to be associated with disease. The following publications have been ascertained in the context of this evaluation (PMID: 27236917, 32928027). ClinVar contains an entry for this variant (Variation ID: 218153). Based on the evidence outlined above, the variant was classified as pathogenic.

Laboratorio de Genetica e Diagnostico Molecular, Hospital Israelita Albert Einstein
Classification: Pathogenic for Developmental and epileptic encephalopathy, 37. Last evaluated: 2022-10-21. Review status: criteria provided, single submitter. Criteria: ACMG Guidelines, 2015. Collection method: clinical testing. Allele origin: germline. Affected: yes. Observed: 1 variant allele.
Comment: ACMG classification criteria: PM2 moderated, PM3 very strong, PM4

Baylor Genetics
Classification: Pathogenic for Developmental and epileptic encephalopathy, 37. Last evaluated: 2022-05-09. Review status: criteria provided, single submitter. Criteria: ACMG Guidelines, 2015. Collection method: clinical testing. Allele origin: unknown.

GeneDx
Classification: Pathogenic. Last evaluated: 2022-02-01. Review status: criteria provided, single submitter. Criteria: GeneDx Variant Classification Process June 2021. Collection method: clinical testing. Allele origin: germline. Affected: yes.
Comment: Not observed at significant frequency in large population cohorts (gnomAD); In-frame deletion of one amino acid in a non-repeat region; In silico analysis supports a deleterious effect on protein structure/function; This variant is associated with the following publications: (PMID: 34483011, 27236917, 32928027)

New York Genome Center
Classification: Likely pathogenic for Developmental and epileptic encephalopathy, 37. Last evaluated: 2021-09-17. Review status: criteria provided, single submitter. Criteria: NYGC Assertion Criteria 2020. Collection method: clinical testing. Allele origin: germline. Observed: 1 heterozygote. Study: CSER-NYCKidSeq.

OMIM
Classification: Pathogenic for DEVELOPMENTAL AND EPILEPTIC ENCEPHALOPATHY 37. Last evaluated: 2020-10-23. Review status: no assertion criteria provided. Collection method: literature only. Allele origin: germline. Not counted in ClinVar's aggregate classification.

Kruer lab, Phoenix Children's Hospital
Classification: Pathogenic for Chorea; Seizure; Progressive encephalopathy. Last evaluated: 2015-11-11. Review status: no assertion criteria provided. Collection method: research. Allele origin: inherited. Affected: yes. Observed: 1 variant allele. Not counted in ClinVar's aggregate classification.
Comment: Predicted deleterious

Unrelated patient; parents heterozygous

Literature cited by the submitters: PubMed 23056405 (cited by Ambry Genetics); PubMed 27236917 (cited by 6 submitters); PubMed 32928027 (cited by 4 submitters).